The following is an entry in ClinVar:

NM_021625.5(TRPV4):c.2209T>C (p.Trp737Arg)

Gene: TRPV4 (transient receptor potential cation channel subfamily V member 4; minus strand). Cytogenetic location: 12q24.11.
Variant type: single nucleotide variant.
Coding change: c.2209T>C on transcript NM_021625.5 (MANE Select); coding-DNA position 2209, T replaced by C.
Protein change: p.Trp737Arg; replaces tryptophan 737 with arginine.
Molecular consequence: missense variant.
Genome position (GRCh38, 1-based): chr12:109,786,837, A>G on the plus strand (T>C on the coding strand, the complement: TRPV4 is on the minus strand). VCF-style: chr12-109786837-A-G. GRCh37 (hg19) VCF-style: chr12-110224642-A-G.
Other names: c.2068T>C, p.Trp690Arg (NM_001177428.2); c.2107T>C, p.Trp703Arg (NM_001177431.2); c.1888T>C, p.Trp630Arg (NM_001177433.2); c.2029T>C, p.Trp677Arg (NM_147204.3); short protein forms W630R, W690R, W703R, W677R, W737R.
Identifiers: ClinVar variation 2864150 (VCV002864150.3), dbSNP rs1592817499, ClinGen allele CA386649674.

ClinVar aggregate classification (germline): Uncertain significance (1 of 4 stars; one submission).

Conditions:
Charcot-Marie-Tooth disease axonal type 2C (HMSN2C). Also called: CHARCOT-MARIE-TOOTH DISEASE, AXONAL, AUTOSOMAL DOMINANT, TYPE 2C; Charcot-Marie-Tooth Neuropathy Type 2C; Charcot-Marie-Tooth Disease Type 2, TRPV4-Related (CMT2C). Identifiers: Orphanet 99937, MedGen C1853710, MONDO:0011633, OMIM 606071.

Submission:

Labcorp Genetics (formerly Invitae), Labcorp
Classification: Uncertain significance for Charcot-Marie-Tooth disease axonal type 2C. Last evaluated: 2023-06-14. Review status: criteria provided, single submitter. Criteria: Invitae Variant Classification Sherloc (09022015). Collection method: clinical testing. Allele origin: germline.
Comment: This variant has not been reported in the literature in individuals affected with TRPV4-related conditions. This variant is not present in population databases (gnomAD no frequency). This sequence change replaces tryptophan, which is neutral and slightly polar, with arginine, which is basic and polar, at codon 737 of the TRPV4 protein (p.Trp737Arg). An algorithm developed to predict the effect of missense changes on protein structure and function (PolyPhen-2) suggests that this variant is likely to be disruptive. In summary, the available evidence is currently insufficient to determine the role of this variant in disease. Therefore, it has been classified as a Variant of Uncertain Significance.